The following is an entry in ClinVar:

NM_007272.3(CTRC):c.518T>C (p.Leu173Pro)

Gene: CTRC (chymotrypsin C; plus strand). Cytogenetic location: 1p36.21.
Variant type: single nucleotide variant.
Coding change: c.518T>C on transcript NM_007272.3 (MANE Select); coding-DNA position 518, T replaced by C.
Protein change: p.Leu173Pro; replaces leucine 173 with proline.
Molecular consequence: missense variant.
Genome position (GRCh38, 1-based): chr1:15,444,630, T>C. VCF-style: chr1-15444630-T-C. GRCh37 (hg19) VCF-style: chr1-15771125-T-C.
Other names: short protein forms L173P.
Identifiers: ClinVar variation 3498394 (VCV003498394.1).

ClinVar aggregate classification (germline): Uncertain significance (1 of 4 stars; one submission).

Conditions:
Hereditary pancreatitis (PCTT). Also called: Hereditary chronic pancreatitis; PRSS1-Related Hereditary Pancreatitis. Identifiers: Orphanet 676, MedGen C0238339, MONDO:0008185, OMIM 167800.

Submission:

Ambry Genetics
Classification: Uncertain significance for Hereditary pancreatitis. Last evaluated: 2024-09-08. Review status: criteria provided, single submitter. Criteria: Ambry Variant Classification Scheme 2023. Collection method: clinical testing. Allele origin: germline.
Comment: The p.L173P variant (also known as c.518T>C), located in coding exon 6 of the CTRC gene, results from a T to C substitution at nucleotide position 518. The leucine at codon 173 is replaced by proline, an amino acid with similar properties. This amino acid position is conserved. In addition, this alteration is predicted to be deleterious by in silico analysis. Based on the available evidence, the clinical significance of this variant remains unclear.